The following is an entry in ClinVar:

ClinVar aggregate classification (germline): Uncertain significance (1 of 4 stars; one submission).

gnomAD v4.1: 3 of 1,604,582 alleles (0.00019%); highest among the groups gnomAD compares: South Asian, 0.0022%; no homozygotes.

Submission:

Labcorp Genetics (formerly Invitae), Labcorp
Classification: Uncertain significance. Last evaluated: 2022-02-10. Review status: criteria provided, single submitter. Criteria: Invitae Variant Classification Sherloc (09022015). Collection method: clinical testing. Allele origin: germline.
Comment: This variant has not been reported in the literature in individuals affected with HELLS-related conditions. In summary, the available evidence is currently insufficient to determine the role of this variant in disease. Therefore, it has been classified as a Variant of Uncertain Significance. Algorithms developed to predict the effect of missense changes on protein structure and function are either unavailable or do not agree on the potential impact of this missense change (SIFT: "Deleterious"; PolyPhen-2: "Benign"; Align-GVGD: "Class C0"). This variant is not present in population databases (gnomAD no frequency). This sequence change replaces serine, which is neutral and polar, with tyrosine, which is neutral and polar, at codon 165 of the HELLS protein (p.Ser165Tyr).

NM_018063.5(HELLS):c.494C>A (p.Ser165Tyr)

Gene: HELLS (helicase, lymphoid specific; plus strand). Cytogenetic location: 10q23.33.
Variant type: single nucleotide variant.
Coding change: c.494C>A on transcript NM_018063.5 (MANE Select); coding-DNA position 494, C replaced by A.
Protein change: p.Ser165Tyr; replaces serine 165 with tyrosine.
Molecular consequence: missense variant. On other transcripts: 5 prime UTR variant (2).
Genome position (GRCh38, 1-based): chr10:94,573,976, C>A. VCF-style: chr10-94573976-C-A. GRCh37 (hg19) VCF-style: chr10-96333733-C-A.
Other names: c.494C>A, p.Ser165Tyr (NM_001289067.2, NM_001289069.2, NM_001289070.2 and 1 more transcripts); c.446C>A, p.Ser149Tyr (NM_001289068.2); c.122C>A, p.Ser41Tyr (NM_001289071.2); c.80C>A, p.Ser27Tyr (NM_001289073.2); c.-509C>A (NM_001289074.2); c.-528C>A (NM_001289075.2); short protein forms S149Y, S165Y, S27Y, S41Y.
Identifiers: ClinVar variation 1899909 (VCV001899909.5), dbSNP rs753484878, ClinGen allele CA377659058.